The following is an entry in ClinVar:

ClinVar aggregate classification (germline): Uncertain significance (1 of 4 stars; one submission).

Conditions:
Camptomelic dysplasia (CMPD). Also called: Campomelic Dysplasia; CMPD1/SRA1. Identifiers: Orphanet 140, MedGen C1861922, MONDO:0007251, OMIM 114290.

Submission:

Labcorp Genetics (formerly Invitae), Labcorp
Classification: Uncertain significance for Camptomelic dysplasia. Last evaluated: 2025-10-03. Review status: criteria provided, single submitter. Criteria: Invitae Variant Classification Sherloc (09022015). Collection method: clinical testing. Allele origin: germline.
Comment: This variant, c.1148_1156del, results in the deletion of 3 amino acid(s) of the SOX9 protein (p.Thr383_Leu385del), but otherwise preserves the integrity of the reading frame. This variant is not present in population databases (gnomAD no frequency). This variant has not been reported in the literature in individuals affected with SOX9-related conditions. ClinVar contains an entry for this variant (Variation ID: 2086003). Experimental studies and prediction algorithms are not available or were not evaluated, and the functional significance of this variant is currently unknown. In summary, the available evidence is currently insufficient to determine the role of this variant in disease. Therefore, it has been classified as a Variant of Uncertain Significance.

NM_000346.4(SOX9):c.1148_1156del (p.Thr383_Leu385del)

Gene: SOX9 (SRY-box transcription factor 9; plus strand). Cytogenetic location: 17q24.3.
Variant type: Deletion.
Coding change: c.1148_1156del on transcript NM_000346.4 (MANE Select); coding-DNA positions 1148 to 1156, 9 bases deleted (CCACGCTGA; older notation c.1148_1156delCCACGCTGA).
Protein change: p.Thr383_Leu385del.
Molecular consequence: inframe deletion.
Genome position (GRCh38, 1-based): chr17:72,124,005-72,124,013, CCACGCTGA deleted; deleting any 9 consecutive bases within chr17:72,123,997-72,124,013 gives the same sequence; the c. name uses the placement nearest the transcript's 3' end. VCF-style (leftmost placement, unchanged base first): chr17-72123996-ACACGCTGAC-A. GRCh37 (hg19) VCF-style: chr17-70120137-ACACGCTGAC-A.
Identifiers: ClinVar variation 2086003 (VCV002086003.4), dbSNP rs1486257792, ClinGen allele CA2273926591.
Genomic context (GRCh38, chr17:72,123,996, plus strand): 5'-CGCAGCCGCAGGCGGCGCCCCCACAGCAGCCGGCGGCACCCCCGCAGCAGCCACAGGCGC[ACACGCTGAC>A]CACGCTGAGCAGCGAGCCGGGCCAGTCCCAGCGAACGCACATCAAGACGGAGCAGCTGAG-3'